The following is an entry in ClinVar:

ClinVar aggregate classification (germline): Likely benign. Review status: criteria provided, single submitter (1 of 4 stars). 2 submissions from 2 submitters: Likely benign (1). 1 of the submissions does not count toward it. Last evaluated 2025-12-26.

Conditions:
CALR3-related disorder. Also called: CALR3-related condition.
Hypertrophic cardiomyopathy 19. Also called: Familial hypertrophic cardiomyopathy 19. Identifiers: MedGen CN077603, MONDO:0013476.

Allele frequency attached by ClinVar (database versions not stated): gnomAD exomes 0.00001 and 0.00003; ExAC 0.00003; gnomAD 0.00015 and 0.00017; TOPMed 0.00020; ESP Exome Variant Server 0.00023.
gnomAD v4.1: 33 of 1,613,942 alleles (0.002%); highest among the groups gnomAD compares: African/African-American, 0.036%; no homozygotes.

Submissions (2):

Labcorp Genetics (formerly Invitae), Labcorp
Classification: Likely benign for Hypertrophic cardiomyopathy 19. Last evaluated: 2025-12-26. Review status: criteria provided, single submitter. Criteria: Invitae Variant Classification Sherloc (09022015). Collection method: clinical testing. Allele origin: germline.

PreventionGenetics, part of Exact Sciences
Classification: Likely benign for CALR3-related condition. Last evaluated: 2019-11-15. Review status: no assertion criteria provided. Collection method: clinical testing. Allele origin: germline. Not counted in ClinVar's aggregate classification.
Comment: This variant is classified as likely benign based on ACMG/AMP sequence variant interpretation guidelines (Richards et al. 2015 PMID: 25741868, with internal and published modifications).

NM_145046.5(CALR3):c.639A>G (p.Glu213=)

Gene: CALR3 (calreticulin 3; minus strand). Cytogenetic location: 19p13.11.
Variant type: single nucleotide variant.
Coding change: c.639A>G on transcript NM_145046.5 (MANE Select); coding-DNA position 639, A replaced by G.
Protein change: p.Glu213=; no amino-acid change (glutamic acid 213 retained).
Molecular consequence: synonymous variant.
Genome position (GRCh38, 1-based): chr19:16,483,969, T>C on the plus strand (A>G on the coding strand, the complement: CALR3 is on the minus strand). VCF-style: chr19-16483969-T-C. GRCh37 (hg19) VCF-style: chr19-16594780-T-C.
Identifiers: ClinVar variation 701233 (VCV000701233.13), dbSNP rs377026384, ClinGen allele CA9278335.